The following is an entry in ClinVar:

ClinVar aggregate classification (germline): Pathogenic (1 of 4 stars; one submission).

Submission:

GeneDx
Classification: Pathogenic. Last evaluated: 2019-05-20. Review status: criteria provided, single submitter. Criteria: GeneDx Variant Classification (06012015). Collection method: clinical testing. Allele origin: germline. Affected: yes.
Comment: The c.930delG pathogenic variant in the RNF216 gene causes a frameshift starting with codon Glutamic acid 310, changes this amino acid to an Aspartic acid residue and creates a premature Stop codon at position 27 of the new reading frame, denoted p.Glu310AspfsX27. This pathogenic variant is predicted to cause loss of normal protein function either through protein truncation or nonsense-mediated mRNA decay. This variant is not observed in large population cohorts (Lek et al., 2016). Although this pathogenic variant has not been previously reported to our knowledge, it is interpreted to be a pathogenic variant.

NM_207111.4(RNF216):c.930del (p.Glu310fs)

Gene: RNF216 (ring finger protein 216; minus strand). Cytogenetic location: 7p22.1.
Variant type: Deletion.
Coding change: c.930del on transcript NM_207111.4 (MANE Select); coding-DNA position 930, one base deleted (G; older notation c.930delG).
Protein change: p.Glu310fs; shifts the reading frame from glutamic acid 310.
Molecular consequence: frameshift variant.
Genome position (GRCh38, 1-based): chr7:5,741,087, C deleted on the plus strand (G on the coding strand, the reverse complement: RNF216 is on the minus strand). VCF-style (leftmost placement, unchanged base first): chr7-5741086-GC-G. GRCh37 (hg19) VCF-style: chr7-5780717-GC-G.
Other names: c.759del, p.Glu253fs (NM_001377156.1, NM_207116.3); short protein forms E310fs, E253fs.
Identifiers: ClinVar variation 817880 (VCV000817880.1), dbSNP rs1584549575, ClinGen allele CA915944845.